The following is an entry in ClinVar:

NM_002185.5(IL7R):c.460C>T (p.His154Tyr)

Gene: IL7R (interleukin 7 receptor; plus strand). Cytogenetic location: 5p13.2.
Variant type: single nucleotide variant.
Coding change: c.460C>T on transcript NM_002185.5 (MANE Select); coding-DNA position 460, C replaced by T.
Protein change: p.His154Tyr; replaces histidine 154 with tyrosine.
Molecular consequence: missense variant. On other transcripts: non-coding transcript variant (1).
Genome position (GRCh38, 1-based): chr5:35,871,136, C>T. VCF-style: chr5-35871136-C-T. GRCh37 (hg19) VCF-style: chr5-35871238-C-T.
Other names: short protein forms H154Y.
Identifiers: ClinVar variation 134525 (VCV000134525.7), dbSNP rs199727195, ClinGen allele CA160090.

ClinVar aggregate classification (germline): Uncertain significance. Review status: criteria provided, multiple submitters, no conflicts (2 of 4 stars). 3 submissions from 3 submitters: Uncertain significance (2). 1 of the submissions does not count toward it. Last evaluated 2024-11-25.

Conditions:
Immunodeficiency 104. Also called: SCID, AUTOSOMAL RECESSIVE, T CELL-NEGATIVE, B CELL-POSITIVE, NK CELL-POSITIVE; IMMUNODEFICIENCY 104, SEVERE COMBINED; Severe combined immunodeficiency, autosomal recessive, T cell-negative, B cell-positive, NK cell-positive; Severe Combined Immune Deficiency, Autosomal Recessive, TCell -Negative, B Cell-Positive, NK Cell-Positive, IL7R-Related. Identifiers: MedGen C5676890, MONDO:0012163, OMIM 608971.

Allele frequency attached by ClinVar (database versions not stated): ExAC 0.00005; gnomAD exomes 0.00005 and 0.00008; gnomAD 0.00007 and 0.00008; TOPMed 0.00007.

Submissions (3):

Blueprint Genetics
Classification: Uncertain significance. Last evaluated: 2024-11-25. Review status: criteria provided, single submitter. Criteria: ACMG Guidelines, 2015. Collection method: clinical testing. Allele origin: germline.

Labcorp Genetics (formerly Invitae), Labcorp
Classification: Uncertain significance for Immunodeficiency 104. Last evaluated: 2022-10-09. Review status: criteria provided, single submitter. Criteria: Invitae Variant Classification Sherloc (09022015). Collection method: clinical testing. Allele origin: germline.
Comment: This sequence change replaces histidine, which is basic and polar, with tyrosine, which is neutral and polar, at codon 154 of the IL7R protein (p.His154Tyr). This variant is present in population databases (rs199727195, gnomAD 0.1%). This variant has not been reported in the literature in individuals affected with IL7R-related conditions. ClinVar contains an entry for this variant (Variation ID: 134525). Advanced modeling of protein sequence and biophysical properties (such as structural, functional, and spatial information, amino acid conservation, physicochemical variation, residue mobility, and thermodynamic stability) performed at Invitae indicates that this missense variant is not expected to disrupt IL7R protein function. In summary, the available evidence is currently insufficient to determine the role of this variant in disease. Therefore, it has been classified as a Variant of Uncertain Significance.

ITMI
No classification provided. Condition: AllHighlyPenetrant. Last evaluated: 2013-09-19. Review status: no classification provided. Collection method: reference population. Allele origin: germline. Not counted in ClinVar's aggregate classification.
Comment: Please see associated publication for description of ethnicities

Literature cited by the submitters: PubMed 24728327 (cited by ITMI).